The following is an entry in ClinVar:

NM_030962.4(SBF2):c.2934+15A>G

Genes: SBF2 (SET binding factor 2; minus strand), LOC101928008 (uncharacterized LOC101928008; plus strand). Cytogenetic location: 11p15.4.
Variant type: single nucleotide variant.
Coding change: c.2934+15A>G on transcript NM_030962.4 (MANE Select); 15 bases into the intron after coding-DNA position 2934, A replaced by G.
Molecular consequence: intron variant.
Genome position (GRCh38, 1-based): chr11:9,846,941, T>C on the plus strand (A>G on the coding strand, the complement: SBF2 is on the minus strand). VCF-style: chr11-9846941-T-C. GRCh37 (hg19) VCF-style: chr11-9868488-T-C.
Other names: c.2805+15A>G (NM_001386342.1); c.2934+15A>G (NM_001386339.1).
Identifiers: ClinVar variation 510809 (VCV000510809.10), dbSNP rs1461263560, ClinGen allele CA658797594.
Genomic context (GRCh38, chr11:9,846,941, plus strand): 5'-ACACAAAATGGCCATAATATCATTTGACTTTTGAAAATTTTTGAATAGTAAAACAATGGC[T>C]TCCTTTTTTAATACCTGAAAAGATGCTGATGTGATCTGCAGTCCTTCTTGCATGTTCTGC-3'

ClinVar aggregate classification (germline): Likely benign. Review status: criteria provided, multiple submitters, no conflicts (2 of 4 stars). 2 submissions from 2 submitters: Likely benign (2). Last evaluated 2026-01-12.

Conditions:
Charcot-Marie-Tooth disease type 4. Also called: Charcot-Marie-Tooth disease, type IV; Charcot-Marie-Tooth, Type 4. Identifiers: Orphanet 64749, MedGen C4082197, MONDO:0018995.

Allele frequency attached by ClinVar (database versions not stated): gnomAD exomes 0.00001.
gnomAD v4.1: 18 of 1,613,574 alleles (0.0011%); highest among the groups gnomAD compares: Non-Finnish European, 0.0014%; no homozygotes.

Submissions (2):

Labcorp Genetics (formerly Invitae), Labcorp
Classification: Likely benign for Charcot-Marie-Tooth disease type 4. Last evaluated: 2026-01-12. Review status: criteria provided, single submitter. Criteria: Invitae Variant Classification Sherloc (09022015). Collection method: clinical testing. Allele origin: germline.

GeneDx
Classification: Likely benign. Last evaluated: 2017-07-10. Review status: criteria provided, single submitter. Criteria: GeneDx Variant Classification (06012015). Collection method: clinical testing. Allele origin: germline. Affected: yes.
Comment: This variant is considered likely benign or benign based on one or more of the following criteria: it is a conservative change, it occurs at a poorly conserved position in the protein, it is predicted to be benign by multiple in silico algorithms, and/or has population frequency not consistent with disease.